The following is an entry in ClinVar:

NM_000336.3(SCNN1B):c.1105C>A (p.Pro369Thr)

Gene: SCNN1B (sodium channel epithelial 1 subunit beta; plus strand). Cytogenetic location: 16p12.2.
Variant type: single nucleotide variant.
Coding change: c.1105C>A on transcript NM_000336.3 (MANE Select); coding-DNA position 1105, C replaced by A.
Protein change: p.Pro369Thr; replaces proline 369 with threonine.
Molecular consequence: missense variant.
Genome position (GRCh38, 1-based): chr16:23,371,836, C>A. VCF-style: chr16-23371836-C-A. GRCh37 (hg19) VCF-style: chr16-23383157-C-A.
Other names: c.1105C>A (NM_000336.2); short protein forms P369T.
Identifiers: ClinVar variation 8842 (VCV000008842.6), dbSNP rs137852711, ClinGen allele CA119967.
Genomic context (GRCh38, chr16:23,371,836, plus strand): 5'-GACAAGCTTCAGCGCATGGGGGAGCCCTACAGCCCGTGCACCGTGAATGGTTCTGAGGTC[C>A]CCGTCCAAAACTTCTACAGTGACTACAACACGACCTACTCCATCCAGGTGGGAAGGTGGT-3'
Protein context (NP_000327.2, residues 359-379): SPCTVNGSEV[Pro369Thr]VQNFYSDYNT

ClinVar aggregate classification (germline): Uncertain significance. Review status: criteria provided, multiple submitters, no conflicts (2 of 4 stars). 4 submissions from 4 submitters: Uncertain significance (3). 1 of the submissions does not count toward it. Last evaluated 2025-08-05.

Conditions:
SCNN1B-related disorder. Also called: SCNN1B-related condition.
Pseudohypoaldosteronism, type IB2, autosomal recessive (PHA1B2). Identifiers: MedGen C5774255, MONDO:0859317, OMIM 620125.
Liddle syndrome 1 (LIDLS1). Also called: PSEUDOALDOSTERONISM. Identifiers: Orphanet 526, MedGen CN031472, MONDO:0020607, OMIM 177200.
Bronchiectasis with or without elevated sweat chloride 1 (BESC1). Also called: Cystic Fibrosis-Like Syndrome. Identifiers: Orphanet 60033, MedGen C2749757, MONDO:0008887, OMIM 211400.

Allele frequency attached by ClinVar (database versions not stated): gnomAD exomes 0.00004; ExAC 0.00005; gnomAD 0.00012 and 0.00014; TOPMed 0.00014; 1000 Genomes Project 30x 0.00031; 1000 Genomes Project 0.00040.
gnomAD v4.1: 45 of 1,614,224 alleles (0.0028%); highest among the groups gnomAD compares: African/African-American, 0.049%; no homozygotes.

Submissions (4):

PreventionGenetics, part of Exact Sciences
Classification: Uncertain significance for SCNN1B-related condition. Last evaluated: 2025-08-05. Review status: criteria provided, single submitter. Criteria: ACMG Guidelines, 2015. Collection method: clinical testing. Allele origin: germline.
Comment: The SCNN1B c.1105C>A variant is predicted to result in the amino acid substitution p.Pro369Thr. This variant was reported in an individual with bronchiectasis (Fajac et al. 2008. PubMed ID: 18507830). This variant is reported in 0.056% of alleles in individuals of African descent in gnomAD, including one homozygote. At this time, the clinical significance of this variant is uncertain due to the absence of conclusive functional and genetic evidence.

Labcorp Genetics (formerly Invitae), Labcorp
Classification: Uncertain significance. Last evaluated: 2025-07-08. Review status: criteria provided, single submitter. Criteria: Invitae Variant Classification Sherloc (09022015). Collection method: clinical testing. Allele origin: germline.
Comment: This sequence change replaces proline, which is neutral and non-polar, with threonine, which is neutral and polar, at codon 369 of the SCNN1B protein (p.Pro369Thr). This variant is present in population databases (rs137852711, gnomAD 0.05%). This missense change has been observed in individual(s) with bronchiectasis (PMID: 18507830). ClinVar contains an entry for this variant (Variation ID: 8842). An algorithm developed to predict the effect of missense changes on protein structure and function (PolyPhen-2) suggests that this variant is likely to be disruptive. In summary, the available evidence is currently insufficient to determine the role of this variant in disease. Therefore, it has been classified as a Variant of Uncertain Significance.

Fulgent Genetics
Classification: Uncertain significance for Liddle syndrome 1; Bronchiectasis with or without elevated sweat chloride 1; Pseudohypoaldosteronism, type IB2, autosomal recessive. Last evaluated: 2024-05-20. Review status: criteria provided, single submitter. Criteria: ACMG Guidelines, 2015. Collection method: clinical testing. Allele origin: germline.

OMIM
Classification: Pathogenic for BRONCHIECTASIS WITH OR WITHOUT ELEVATED SWEAT CHLORIDE 1. Last evaluated: 2008-05-28. Review status: no assertion criteria provided. Collection method: literature only. Allele origin: germline. Not counted in ClinVar's aggregate classification.

Literature cited by the submitters: PubMed 18507830 (cited by Labcorp Genetics (formerly Invitae), Labcorp and OMIM).